The following is an entry in ClinVar:

ClinVar aggregate classification (germline): Uncertain significance (1 of 4 stars; one submission).

gnomAD v4.1: 1 of 1,614,182 alleles (0.000062%); highest among the groups gnomAD compares: Non-Finnish European, 0.000085%; no homozygotes.

Submission:

GeneDx
Classification: Uncertain significance. Last evaluated: 2026-04-16. Review status: criteria provided, single submitter. Criteria: GeneDx Variant Classification Process June 2021. Collection method: clinical testing. Allele origin: germline.
Comment: Not observed at significant frequency in large population cohorts (gnomAD); In silico analysis suggests that this missense variant does not alter protein structure/function; Has not been previously published as pathogenic or benign to our knowledge

NM_015346.4(ZFYVE26):c.938A>G (p.Asn313Ser)

Gene: ZFYVE26 (zinc finger FYVE-type containing 26; minus strand). Cytogenetic location: 14q24.1.
Variant type: single nucleotide variant.
Coding change: c.938A>G on transcript NM_015346.4 (MANE Select); coding-DNA position 938, A replaced by G.
Protein change: p.Asn313Ser; replaces asparagine 313 with serine.
Molecular consequence: missense variant.
Genome position (GRCh38, 1-based): chr14:67,806,624, T>C on the plus strand (A>G on the coding strand, the complement: ZFYVE26 is on the minus strand). VCF-style: chr14-67806624-T-C. GRCh37 (hg19) VCF-style: chr14-68273341-T-C.
Other names: short protein forms N313S.
Identifiers: ClinVar variation 5037026 (VCV005037026.1).